The following is an entry in ClinVar:

ClinVar aggregate classification (germline): Likely benign (0 of 4 stars; one submission).

Conditions:
MARK3-related disorder. Also called: MARK3-related condition.

Allele frequency attached by ClinVar (database versions not stated): TOPMed below 0.00001; gnomAD 0.00001; gnomAD exomes 0.00001.
gnomAD v4.1: 22 of 1,599,376 alleles (0.0014%); highest among the groups gnomAD compares: Middle Eastern, 0.29%; 1 homozygote.

Submission:

PreventionGenetics, part of Exact Sciences
Classification: Likely benign for MARK3-related condition. Last evaluated: 2019-07-01. Review status: no assertion criteria provided. Collection method: clinical testing. Allele origin: germline.
Comment: This variant is classified as likely benign based on ACMG/AMP sequence variant interpretation guidelines (Richards et al. 2015 PMID: 25741868, with internal and published modifications).

NM_001128918.3(MARK3):c.412+4A>T

Gene: MARK3 (microtubule affinity regulating kinase 3; plus strand). Cytogenetic location: 14q32.32.
Variant type: single nucleotide variant.
Coding change: c.412+4A>T on transcript NM_001128918.3 (MANE Select); 4 bases into the intron after coding-DNA position 412, A replaced by T.
Molecular consequence: intron variant.
Genome position (GRCh38, 1-based): chr14:103,451,987, A>T. VCF-style: chr14-103451987-A-T. GRCh37 (hg19) VCF-style: chr14-103918324-A-T.
Other names: c.412+4A>T (NM_001128919.3, NM_002376.7, NM_001128920.3 and 1 more transcripts); c.358+4A>T (NM_001411055.1); c.220+4A>T (NM_001411056.1).
Identifiers: ClinVar variation 3042616 (VCV003042616.2), dbSNP rs572627741, ClinGen allele CA267228637.